The following is an entry in ClinVar:

ClinVar aggregate classification (germline): Uncertain significance. Review status: criteria provided, multiple submitters, no conflicts (2 of 4 stars). 2 submissions from 2 submitters: Uncertain significance (2). Last evaluated 2025-09-25.

Conditions:
Inborn genetic diseases. Identifiers: MedGen C0950123, MeSH D030342.

Submissions (2):

Ambry Genetics
Classification: Uncertain significance for Inborn genetic diseases. Last evaluated: 2025-09-25. Review status: criteria provided, single submitter. Criteria: Ambry Variant Classification Scheme 2023. Collection method: clinical testing. Allele origin: germline.

Women's Health and Genetics/Laboratory Corporation of America, LabCorp
Classification: Uncertain significance. Last evaluated: 2024-12-26. Review status: criteria provided, single submitter. Criteria: LabCorp Variant Classification Summary - May 2015. Collection method: clinical testing. Allele origin: germline.
Comment: Variant summary: ROBO1 c.1968T>A (p.Asp656Glu) results in a conservative amino acid change located in the Fibronectin type III repeat domain (IPR003961) of the encoded protein sequence. Three of five in-silico tools predict a damaging effect of the variant on protein function. Several computational tools predict a significant impact on normal splicing: One predict the variant no significant impact on splicing. Three predict the variant weakens a 3' acceptor site. However, these predictions have yet to be confirmed by functional studies. The variant was absent in 162976 control chromosomes. The available data on variant occurrences in the general population are insufficient to allow any conclusion about variant significance. To our knowledge, no occurrence of c.1968T>A in individuals affected with ROBO1-Related Disorders and no experimental evidence demonstrating its impact on protein function have been reported. No submitters have cited clinical-significance assessments for this variant to ClinVar. Based on the evidence outlined above, the variant was classified as uncertain significance.

NM_002941.4(ROBO1):c.1968T>A (p.Asp656Glu)

Gene: ROBO1 (roundabout guidance receptor 1; minus strand). Cytogenetic location: 3p12.3.
Variant type: single nucleotide variant.
Coding change: c.1968T>A on transcript NM_002941.4 (MANE Select); coding-DNA position 1968, T replaced by A.
Protein change: p.Asp656Glu; replaces aspartic acid 656 with glutamic acid.
Molecular consequence: missense variant.
Genome position (GRCh38, 1-based): chr3:78,662,113, A>T on the plus strand (T>A on the coding strand, the complement: ROBO1 is on the minus strand). VCF-style: chr3-78662113-A-T. GRCh37 (hg19) VCF-style: chr3-78711263-A-T.
Other names: c.1968T>A (NM_002941.3); c.1860T>A, p.Asp620Glu (NM_001145845.2, NM_133631.4); short protein forms D620E, D656E.
Identifiers: ClinVar variation 3768409 (VCV003768409.2).